The following is an entry in ClinVar:

NM_201384.3(PLEC):c.10652T>C (p.Val3551Ala)

Gene: PLEC (plectin; minus strand). Cytogenetic location: 8q24.3.
Variant type: single nucleotide variant.
Coding change: c.10652T>C on transcript NM_201384.3 (MANE Select); coding-DNA position 10652, T replaced by C.
Protein change: p.Val3551Ala; replaces valine 3551 with alanine.
Molecular consequence: missense variant.
Genome position (GRCh38, 1-based): chr8:143,919,169, A>G on the plus strand (T>C on the coding strand, the complement: PLEC is on the minus strand). VCF-style: chr8-143919169-A-G. GRCh37 (hg19) VCF-style: chr8-144993337-A-G.
Other names: c.10733T>C, p.Val3578Ala (NM_000445.5); c.7352T>C, p.Val2451Ala (NM_001410941.1); c.10610T>C, p.Val3537Ala (NM_201378.4); c.10586T>C, p.Val3529Ala (NM_201379.3); c.11063T>C, p.Val3688Ala (NM_201380.4); c.10556T>C, p.Val3519Ala (NM_201381.3); c.10652T>C, p.Val3551Ala (NM_201382.4); c.10664T>C, p.Val3555Ala (NM_201383.3); short protein forms V2451A, V3519A, V3529A, V3537A, V3551A, V3555A, V3578A, V3688A.
Identifiers: ClinVar variation 3750050 (VCV003750050.2).
Genomic context (GRCh38, chr8:143,919,169, plus strand): 5'-TGTGTCTCTTCAAATGCCCTTCTTGTCTCCTCCTCAGTGTACACCTGCGTGGTCTCCACC[A>G]CCTCAGCCTTCTCCGCCCCTTTCAGTGGCAGAAGGCGCAAGCCCGTCTCGGGGTCCTCCA-3'
Protein context (NP_958786.1, residues 3541-3561): LPLKGAEKAE[Val3551Ala]VETTQVYTEE

ClinVar aggregate classification (germline): Uncertain significance (1 of 4 stars; one submission).

Conditions:
Epidermolysis bullosa simplex with nail dystrophy (EBS5D). Identifiers: MedGen C4225309, MONDO:0014661, OMIM 616487.
Autosomal recessive limb-girdle muscular dystrophy type 2Q (LGMDR17). Also called: MUSCULAR DYSTROPHY, LIMB-GIRDLE, AUTOSOMAL RECESSIVE 17. Identifiers: Orphanet 254361, MedGen C3150989, MONDO:0013390, OMIM 613723.
Epidermolysis bullosa simplex 5B, with muscular dystrophy (EBS5B). Also called: Epidermolysis bullosa simplex with muscular dystrophy; EPIDERMOLYSIS BULLOSA SIMPLEX AND LIMB-GIRDLE MUSCULAR DYSTROPHY. Identifiers: Orphanet 257, MedGen C2931072, MONDO:0009181, OMIM 226670.
Epidermolysis bullosa simplex 5C, with pyloric atresia (EBS5C). Also called: PLEC-Related Epidermolysis Bullosa with Pyloric Atresia; Epidermolysis bullosa simplex with pyloric atresia; PLEC1-Related Epidermolysis Bullosa with Pyloric Atresia. Identifiers: Orphanet 158684, MedGen C2677349, MONDO:0012807, OMIM 612138.
Epidermolysis bullosa simplex, Ogna type (EBS5A). Also called: Pidermolysis bullosa simplex 5A, Ogna type; EPIDERMOLYSIS BULLOSA SIMPLEX 5A, OGNA TYPE. Identifiers: Orphanet 79401, MedGen C0432317, MONDO:0007555, OMIM 131950.

Submission:

Labcorp Genetics (formerly Invitae), Labcorp
Classification: Uncertain significance for Autosomal recessive limb-girdle muscular dystrophy type 2Q; Epidermolysis bullosa simplex, Ogna type; Epidermolysis bullosa simplex with nail dystrophy; Epidermolysis bullosa simplex 5C, with pyloric atresia; Epidermolysis bullosa simplex 5B, with muscular dystrophy. Last evaluated: 2024-03-24. Review status: criteria provided, single submitter. Criteria: Invitae Variant Classification Sherloc (09022015). Collection method: clinical testing. Allele origin: germline.
Comment: This sequence change replaces valine, which is neutral and non-polar, with alanine, which is neutral and non-polar, at codon 3578 of the PLEC protein (p.Val3578Ala). This variant is not present in population databases (gnomAD no frequency). This variant has not been reported in the literature in individuals affected with PLEC-related conditions. Algorithms developed to predict the effect of missense changes on protein structure and function output the following: SIFT: "Not Available"; PolyPhen-2: "Benign"; Align-GVGD: "Not Available". The alanine amino acid residue is found in multiple mammalian species, which suggests that this missense change does not adversely affect protein function. In summary, the available evidence is currently insufficient to determine the role of this variant in disease. Therefore, it has been classified as a Variant of Uncertain Significance.